The following is an entry in ClinVar:

ClinVar aggregate classification (germline): Uncertain significance (1 of 4 stars; one submission).

Submission:

Labcorp Genetics (formerly Invitae), Labcorp
Classification: Uncertain significance. Last evaluated: 2022-07-30. Review status: criteria provided, single submitter. Criteria: Invitae Variant Classification Sherloc (09022015). Collection method: clinical testing. Allele origin: germline.
Comment: In summary, the available evidence is currently insufficient to determine the role of this variant in disease. Therefore, it has been classified as a Variant of Uncertain Significance. Algorithms developed to predict the effect of missense changes on protein structure and function (SIFT, PolyPhen-2, Align-GVGD) all suggest that this variant is likely to be disruptive. This variant has not been reported in the literature in individuals affected with MPDZ-related conditions. This variant is not present in population databases (gnomAD no frequency). This sequence change replaces glycine, which is neutral and non-polar, with arginine, which is basic and polar, at codon 1638 of the MPDZ protein (p.Gly1638Arg).

NM_001378778.1(MPDZ):c.4912G>C (p.Gly1638Arg)

Gene: MPDZ (multiple PDZ domain crumbs cell polarity complex component; minus strand). Cytogenetic location: 9p23.
Variant type: single nucleotide variant.
Coding change: c.4912G>C on transcript NM_001378778.1 (MANE Select); coding-DNA position 4912, G replaced by C.
Protein change: p.Gly1638Arg; replaces glycine 1638 with arginine.
Molecular consequence: missense variant.
Genome position (GRCh38, 1-based): chr9:13,123,194, C>G on the plus strand (G>C on the coding strand, the complement: MPDZ is on the minus strand). VCF-style: chr9-13123194-C-G. GRCh37 (hg19) VCF-style: chr9-13123193-C-G.
Other names: c.4813G>C, p.Gly1605Arg (NM_001261406.2, NM_001261407.2, NM_001375416.1 and 3 more transcripts); c.4912G>C, p.Gly1638Arg (NM_001330637.2, NM_003829.5); c.5011G>C, p.Gly1671Arg (NM_001375413.1); c.4702G>C, p.Gly1568Arg (NM_001375420.1, NM_001375421.1, NM_001375422.1 and 4 more transcripts); c.4504G>C, p.Gly1502Arg (NM_001375427.1); short protein forms G1502R, G1638R, G1671R, G1568R, G1605R.
Identifiers: ClinVar variation 2117989 (VCV002117989.4), dbSNP rs2538546796, ClinGen allele CA372945251.